The following is an entry in ClinVar:

ClinVar aggregate classification (germline): Uncertain significance. Review status: criteria provided, multiple submitters, no conflicts (2 of 4 stars). 2 submissions from 2 submitters: Uncertain significance (2). Last evaluated 2023-05-31.

Conditions:
Hereditary cancer-predisposing syndrome. Also called: Neoplastic Syndromes, Hereditary; Tumor predisposition; Hereditary Cancer Syndrome; Hereditary neoplastic syndrome. Identifiers: Orphanet 140162, MedGen C0027672, MeSH D009386, MONDO:0015356.
Breast-ovarian cancer, familial, susceptibility to, 4. Identifiers: Orphanet 145, MedGen C3280345, MONDO:0013669, OMIM 614291.

Submissions (2):

Labcorp Genetics (formerly Invitae), Labcorp
Classification: Uncertain significance for Breast-ovarian cancer, familial, susceptibility to, 4. Last evaluated: 2023-05-31. Review status: criteria provided, single submitter. Criteria: Invitae Variant Classification Sherloc (09022015). Collection method: clinical testing. Allele origin: germline.
Comment: In summary, the available evidence is currently insufficient to determine the role of this variant in disease. Therefore, it has been classified as a Variant of Uncertain Significance. Advanced modeling of protein sequence and biophysical properties (such as structural, functional, and spatial information, amino acid conservation, physicochemical variation, residue mobility, and thermodynamic stability) performed at Invitae indicates that this missense variant is not expected to disrupt RAD51D protein function. ClinVar contains an entry for this variant (Variation ID: 482185). This variant has not been reported in the literature in individuals affected with RAD51D-related conditions. This variant is not present in population databases (gnomAD no frequency). This sequence change replaces leucine, which is neutral and non-polar, with valine, which is neutral and non-polar, at codon 226 of the RAD51D protein (p.Leu226Val).

Ambry Genetics
Classification: Uncertain significance for Hereditary cancer-predisposing syndrome. Last evaluated: 2016-01-25. Review status: criteria provided, single submitter. Criteria: Ambry Variant Classification Scheme 2023. Collection method: clinical testing. Allele origin: germline.
Comment: The p.L226V variant (also known as c.676T>G), located in coding exon 8 of the RAD51D gene, results from a T to G substitution at nucleotide position 676. The leucine at codon 226 is replaced by valine, an amino acid with highly similar properties. This variant was not reported in population based cohorts in the following databases: Database of Single Nucleotide Polymorphisms (dbSNP), NHLBI Exome Sequencing Project (ESP), and 1000 Genomes Project. In the ESP, this variant was not observed in 6503 samples (13006 alleles) with coverage at this position. To date, this alteration has been detected with an allele frequency of approximately 0.001% (greater than 110000 alleles tested) in our clinical cohort. This amino acid position is well conserved in available vertebrate species. In addition, this alteration is predicted to be tolerated by in silico analysis. Since supporting evidence is limited at this time, the clinical significance of this alteration remains unclear.

NM_002878.4(RAD51D):c.676T>G (p.Leu226Val)

Genes: RAD51D (RAD51 paralog D; minus strand), RAD51L3-RFFL (RAD51L3-RFFL readthrough; minus strand). Cytogenetic location: 17q12.
Variant type: single nucleotide variant.
Coding change: c.676T>G on transcript NM_002878.4 (MANE Select); coding-DNA position 676, T replaced by G.
Protein change: p.Leu226Val; replaces leucine 226 with valine.
Molecular consequence: missense variant. On other transcripts: non-coding transcript variant (3).
Genome position (GRCh38, 1-based): chr17:35,103,316, A>C on the plus strand (T>G on the coding strand, the complement: RAD51D is on the minus strand). VCF-style: chr17-35103316-A-C. GRCh37 (hg19) VCF-style: chr17-33430335-A-C.
Other names: c.736T>G, p.Leu246Val (NM_001142571.2); c.340T>G, p.Leu114Val (NM_133629.3); short protein forms L226V, L114V, L246V.
Identifiers: ClinVar variation 482185 (VCV000482185.11), dbSNP rs1555567533, ClinGen allele CA399087791.
Genomic context (GRCh38, chr17:35,103,316, plus strand): 5'-CCACTGCCATGCCAAGGTCCCGGGCCAGGGTCTTCAGCTCTCGGGCCAGCTGCATCATCA[A>C]GGCCAAGCCTGCAGGAGGAGGAGAAGCAGAGAGGGAGGGCAGTGGGGAACCAGGGATGGG-3'
Protein context (NP_002869.3, residues 216-236): LGGQQREGLA[Leu226Val]MMQLARELKT